The following is an entry in ClinVar:

NM_017802.4(DNAAF5):c.349_370del (p.Leu117fs)

Genes: DNAAF5 (dynein axonemal assembly factor 5; plus strand), PRKAR1B (protein kinase cAMP-dependent type I regulatory subunit beta; minus strand). Cytogenetic location: 7p22.3.
Variant type: Deletion.
Coding change: c.349_370del on transcript NM_017802.4 (MANE Select); coding-DNA positions 349 to 370, 22 bases deleted (CTGCTGCCCGCGCTCGCCGCGC).
Protein change: p.Leu117fs; shifts the reading frame from leucine 117.
Molecular consequence: frameshift variant. On other transcripts: non-coding transcript variant (1), intron variant (3).
Genome position (GRCh38, 1-based): chr7:727,069-727,090, CTGCTGCCCGCGCTCGCCGCGC deleted; deleting any 22 consecutive bases within chr7:727,062-727,090 gives the same sequence; the c. name uses the placement nearest the transcript's 3' end. VCF-style (leftmost placement, unchanged base first): chr7-727061-TGCCGCGCCTGCTGCCCGCGCTC-T. GRCh37 (hg19) VCF-style: chr7-766698-TGCCGCGCCTGCTGCCCGCGCTC-T.
Other names: c.-23+572_-23+593del (NM_001164759.1); c.-23+507_-23+528del (NM_001164758.2); c.-23+127_-23+148del (NM_001164760.2); short protein forms L117fs.
Identifiers: ClinVar variation 2916345 (VCV002916345.3), dbSNP rs912460897, ClinGen allele CA152333421.
Genomic context (GRCh38, chr7:727,061, plus strand): 5'-CGCTGGCAGTGCACCTGCTGGATCTGGGCCTGCGCCGCGCCGCGCGGCCCCGCGATGCCC[TGCCGCGCCTGCTGCCCGCGCTC>T]GCCGCGCGCTTGGCCGGCCCCGTGCCCGCGCGCCGCCCGCCCGAGGCCTGTGAGGAGCTG-3'

ClinVar aggregate classification (germline): Pathogenic (1 of 4 stars; one submission).

Conditions:
Primary ciliary dyskinesia. Also called: Ciliary dyskinesia. Identifiers: Orphanet 244, MedGen C0008780, MONDO:0016575, HP:0012265.

Submission:

Labcorp Genetics (formerly Invitae), Labcorp
Classification: Pathogenic for Primary ciliary dyskinesia. Last evaluated: 2023-10-05. Review status: criteria provided, single submitter. Criteria: Invitae Variant Classification Sherloc (09022015). Collection method: clinical testing. Allele origin: germline.
Comment: This sequence change creates a premature translational stop signal (p.Leu117Alafs*85) in the DNAAF5 gene. It is expected to result in an absent or disrupted protein product. Loss-of-function variants in DNAAF5 are known to be pathogenic (PMID: 24307375, 25232951). The frequency data for this variant in the population databases is considered unreliable, as metrics indicate insufficient coverage at this position in the gnomAD database. This variant has not been reported in the literature in individuals affected with DNAAF5-related conditions. For these reasons, this variant has been classified as Pathogenic.

Literature cited by the submitters: PubMed 24307375; PubMed 25232951.